The following is an entry in ClinVar:

ClinVar aggregate classification (germline): Uncertain significance (1 of 4 stars; one submission).

Conditions:
Rubinstein-Taybi syndrome (RSTS). Identifiers: Orphanet 783, MedGen C0035934, MONDO:0019188.

gnomAD v4.1: 1 of 1,614,174 alleles (0.000062%); highest among the groups gnomAD compares: Non-Finnish European, 0.000085%; no homozygotes.

Submission:

Labcorp Genetics (formerly Invitae), Labcorp
Classification: Uncertain significance for Rubinstein-Taybi syndrome. Last evaluated: 2024-08-28. Review status: criteria provided, single submitter. Criteria: Invitae Variant Classification Sherloc (09022015). Collection method: clinical testing. Allele origin: germline.
Comment: This sequence change replaces methionine, which is neutral and non-polar, with valine, which is neutral and non-polar, at codon 2301 of the CREBBP protein (p.Met2301Val). This variant is not present in population databases (gnomAD no frequency). This variant has not been reported in the literature in individuals affected with CREBBP-related conditions. Invitae Evidence Modeling of protein sequence and biophysical properties (such as structural, functional, and spatial information, amino acid conservation, physicochemical variation, residue mobility, and thermodynamic stability) has been performed for this missense variant. However, the output from this modeling did not meet the statistical confidence thresholds required to predict the impact of this variant on CREBBP protein function. In summary, the available evidence is currently insufficient to determine the role of this variant in disease. Therefore, it has been classified as a Variant of Uncertain Significance.

NM_004380.3(CREBBP):c.6901A>G (p.Met2301Val)

Gene: CREBBP (CREB binding lysine acetyltransferase; minus strand). Cytogenetic location: 16p13.3.
Variant type: single nucleotide variant.
Coding change: c.6901A>G on transcript NM_004380.3 (MANE Select); coding-DNA position 6901, A replaced by G.
Protein change: p.Met2301Val; replaces methionine 2301 with valine.
Molecular consequence: missense variant.
Genome position (GRCh38, 1-based): chr16:3,728,146, T>C on the plus strand (A>G on the coding strand, the complement: CREBBP is on the minus strand). VCF-style: chr16-3728146-T-C. GRCh37 (hg19) VCF-style: chr16-3778147-T-C.
Other names: c.6787A>G, p.Met2263Val (NM_001079846.1); short protein forms M2263V, M2301V.
Identifiers: ClinVar variation 3716315 (VCV003716315.2).